The following is an entry in ClinVar:

ClinVar aggregate classification (germline): Uncertain significance (1 of 4 stars; one submission).

Submission:

GeneDx
Classification: Uncertain significance. Last evaluated: 2023-01-20. Review status: criteria provided, single submitter. Criteria: GeneDx Variant Classification Process June 2021. Collection method: clinical testing. Allele origin: germline. Affected: yes.
Comment: Not observed at significant frequency in large population cohorts (gnomAD); In silico analysis supports that this variant does not alter splicing; Has not been previously published as pathogenic or benign to our knowledge

NM_005629.4(SLC6A8):c.1254+5G>C

Gene: SLC6A8 (solute carrier family 6 member 8; plus strand). Cytogenetic location: Xq28.
Variant type: single nucleotide variant.
Coding change: c.1254+5G>C on transcript NM_005629.4 (MANE Select); 5 bases into the intron after coding-DNA position 1254, G replaced by C.
Molecular consequence: intron variant.
Genome position (GRCh38, 1-based): chrX:153,694,022, G>C. VCF-style: chrX-153694022-G-C. GRCh37 (hg19) VCF-style: chrX-152959477-G-C.
Other names: c.1224+5G>C (NM_001142805.2); c.909+5G>C (NM_001142806.1).
Identifiers: ClinVar variation 2573741 (VCV002573741.1), dbSNP rs782137287, ClinGen allele CA2580612306.